The following is an entry in ClinVar:

ClinVar aggregate classification (germline): Uncertain significance (1 of 4 stars; one submission).

Submission:

Labcorp Genetics (formerly Invitae), Labcorp
Classification: Uncertain significance. Last evaluated: 2021-02-17. Review status: criteria provided, single submitter. Criteria: Invitae Variant Classification Sherloc (09022015). Collection method: clinical testing. Allele origin: germline.
Comment: This variant has not been reported in the literature in individuals with COL4A1-related conditions. In summary, the available evidence is currently insufficient to determine the role of this variant in disease. Therefore, it has been classified as a Variant of Uncertain Significance. Advanced modeling of protein sequence and biophysical properties (such as structural, functional, and spatial information, amino acid conservation, physicochemical variation, residue mobility, and thermodynamic stability) performed at Invitae indicates that this missense variant is not expected to disrupt COL4A1 protein function. This variant is not present in population databases (ExAC no frequency). This sequence change replaces methionine with valine at codon 65 of the COL4A1 protein (p.Met65Val). The methionine residue is highly conserved and there is a small physicochemical difference between methionine and valine.

NM_001845.6(COL4A1):c.193A>G (p.Met65Val)

Gene: COL4A1 (collagen type IV alpha 1 chain; minus strand). Cytogenetic location: 13q34.
Variant type: single nucleotide variant.
Coding change: c.193A>G on transcript NM_001845.6 (MANE Select); coding-DNA position 193, A replaced by G.
Protein change: p.Met65Val; replaces methionine 65 with valine.
Molecular consequence: missense variant.
Genome position (GRCh38, 1-based): chr13:110,213,967, T>C on the plus strand (A>G on the coding strand, the complement: COL4A1 is on the minus strand). VCF-style: chr13-110213967-T-C. GRCh37 (hg19) VCF-style: chr13-110866314-T-C.
Other names: c.193A>G, p.Met65Val (NM_001303110.2); short protein forms M65V.
Identifiers: ClinVar variation 1466623 (VCV001466623.8), dbSNP rs2139207332, ClinGen allele CA388727101.